The following is an entry in ClinVar:

ClinVar aggregate classification (germline): Uncertain significance (1 of 4 stars; one submission).

Conditions:
Anophthalmia-microphthalmia syndrome. Also called: Anophthalmia - microphthalmia; Anophthalmia/Microphthalmia. Identifiers: Orphanet 98555, MedGen C5680330, MONDO:0020147.

Submission:

Labcorp Genetics (formerly Invitae), Labcorp
Classification: Uncertain significance for Anophthalmia-microphthalmia syndrome. Last evaluated: 2023-10-03. Review status: criteria provided, single submitter. Criteria: Invitae Variant Classification Sherloc (09022015). Collection method: clinical testing. Allele origin: germline.
Comment: This sequence change replaces glutamine, which is neutral and polar, with histidine, which is basic and polar, at codon 49 of the OTX2 protein (p.Gln49His). This variant is not present in population databases (gnomAD no frequency). This variant has not been reported in the literature in individuals affected with OTX2-related conditions. ClinVar contains an entry for this variant (Variation ID: 2001500). An algorithm developed to predict the effect of missense changes on protein structure and function (PolyPhen-2) suggests that this variant is likely to be disruptive. In summary, the available evidence is currently insufficient to determine the role of this variant in disease. Therefore, it has been classified as a Variant of Uncertain Significance.

NM_021728.4(OTX2):c.171G>C (p.Gln57His)

Gene: OTX2 (orthodenticle homeobox 2; minus strand). Cytogenetic location: 14q22.3.
Variant type: single nucleotide variant.
Coding change: c.171G>C on transcript NM_021728.4 (MANE Select); coding-DNA position 171, G replaced by C.
Protein change: p.Gln57His; replaces glutamine 57 with histidine.
Molecular consequence: missense variant.
Genome position (GRCh38, 1-based): chr14:56,804,290, C>G on the plus strand (G>C on the coding strand, the complement: OTX2 is on the minus strand). VCF-style: chr14-56804290-C-G. GRCh37 (hg19) VCF-style: chr14-57271008-C-G.
Other names: c.147G>C, p.Gln49His (NM_001270523.2, NM_001270524.2, NM_172337.3); c.171G>C, p.Gln57His (NM_001270525.2); short protein forms Q57H, Q49H.
Identifiers: ClinVar variation 2001500 (VCV002001500.4), dbSNP rs1347231732, ClinGen allele CA390052460.